The following is an entry in ClinVar:

ClinVar aggregate classification (germline): Likely benign. Review status: criteria provided, single submitter (1 of 4 stars). 2 submissions from 2 submitters: Likely benign (1). 1 of the submissions does not count toward it. Last evaluated 2025-12-15.

Conditions:
MTOR-related disorder. Also called: MTOR-related condition.

Submissions (2):

Labcorp Genetics (formerly Invitae), Labcorp
Classification: Likely benign. Last evaluated: 2025-12-15. Review status: criteria provided, single submitter. Criteria: Invitae Variant Classification Sherloc (09022015). Collection method: clinical testing. Allele origin: germline.

PreventionGenetics, part of Exact Sciences
Classification: Likely benign for MTOR-related condition. Last evaluated: 2022-05-05. Review status: no assertion criteria provided. Collection method: clinical testing. Allele origin: germline. Not counted in ClinVar's aggregate classification.
Comment: This variant is classified as likely benign based on ACMG/AMP sequence variant interpretation guidelines (Richards et al. 2015 PMID: 25741868, with internal and published modifications).

NM_004958.4(MTOR):c.505-9_505-7dup

Gene: MTOR (mechanistic target of rapamycin kinase; minus strand). Cytogenetic location: 1p36.22.
Variant type: Duplication.
Coding change: c.505-9_505-7dup on transcript NM_004958.4 (MANE Select); 9 bases into the intron before coding-DNA position 505 through 7 bases into the intron before coding-DNA position 505, 3 bases duplicated (TTT; older notation c.505-9_505-7dupTTT).
Molecular consequence: intron variant.
Genome position (GRCh38, 1-based): chr1:11,256,199-11,256,201, AAA duplicated on the plus strand (TTT on the coding strand, the reverse complement: MTOR is on the minus strand); duplicating any 3 consecutive bases within chr1:11,256,199-11,256,204 gives the same sequence; the c. name uses the placement nearest the transcript's 3' end. VCF-style (leftmost placement, unchanged base first): chr1-11256198-G-GAAA. GRCh37 (hg19) VCF-style: chr1-11316255-G-GAAA.
Other names: c.-635-9_-635-7dup (NM_001386501.1); c.505-9_505-7dup (NM_001386500.1); c.505-9_505-7dupTTT (NM_004958.3).
Identifiers: ClinVar variation 2076913 (VCV002076913.6), dbSNP rs750955155, ClinGen allele CA17957865.